The following is an entry in ClinVar:

NM_001382391.1(CSPP1):c.849T>G (p.Ser283Arg)

Gene: CSPP1 (centrosome and spindle pole associated protein 1; plus strand). Cytogenetic location: 8q13.1.
Variant type: single nucleotide variant.
Coding change: c.849T>G on transcript NM_001382391.1 (MANE Select); coding-DNA position 849, T replaced by G.
Protein change: p.Ser283Arg; replaces serine 283 with arginine.
Molecular consequence: missense variant. On other transcripts: 5 prime UTR variant (1).
Genome position (GRCh38, 1-based): chr8:67,095,658, T>G. VCF-style: chr8-67095658-T-G. GRCh37 (hg19) VCF-style: chr8-68007893-T-G.
Other names: c.-7T>G (NM_001291339.2); c.768T>G, p.Ser256Arg (NM_001363131.2, NM_001363133.2); c.849T>G, p.Ser283Arg (NM_001363132.2); c.957T>G, p.Ser319Arg (NM_001364869.1); c.876T>G, p.Ser292Arg (NM_001364870.1, NM_024790.7); short protein forms S256R, S283R, S292R, S319R.
Identifiers: ClinVar variation 937673 (VCV000937673.7), dbSNP rs201797415, ClinGen allele CA4770372.
Genomic context (GRCh38, chr8:67,095,658, plus strand): 5'-TAATGAGGATCGTGTTTTTGATAGACGGTATCATAGACCAGACCAAGATCCTGAAGTAAG[T>G]GAAGAAATGGATGAGAGGTTTAGATATGAAAGTGATTTTGATAGAAGACTTTCGAGAGTG-3'
Protein context (NP_001369320.1, residues 273-293): YHRPDQDPEV[Ser283Arg]EEMDERFRYE

ClinVar aggregate classification (germline): Uncertain significance. Review status: criteria provided, multiple submitters, no conflicts (2 of 4 stars). 3 submissions from 3 submitters: Uncertain significance (3). Last evaluated 2022-09-07.

Conditions:
Inborn genetic diseases. Identifiers: MedGen C0950123, MeSH D030342.
Joubert syndrome 21 (JBTS21). Identifiers: MedGen C3810212, MONDO:0014288, OMIM 615636.

Allele frequency attached by ClinVar (database versions not stated): gnomAD exomes 0.00002 and 0.00004; ExAC 0.00003; 1000 Genomes Project 30x 0.00016; gnomAD 0.00019 and 0.00021; 1000 Genomes Project 0.00020; ESP Exome Variant Server 0.00025; TOPMed 0.00028.
gnomAD v4.1: 53 of 1,612,952 alleles (0.0033%); highest among the groups gnomAD compares: African/African-American, 0.068%; no homozygotes.

Submissions (3):

Labcorp Genetics (formerly Invitae), Labcorp
Classification: Uncertain significance for Joubert syndrome 21. Last evaluated: 2022-09-07. Review status: criteria provided, single submitter. Criteria: Invitae Variant Classification Sherloc (09022015). Collection method: clinical testing. Allele origin: germline.
Comment: This sequence change replaces serine, which is neutral and polar, with arginine, which is basic and polar, at codon 292 of the CSPP1 protein (p.Ser292Arg). This variant is present in population databases (rs201797415, gnomAD 0.07%). This variant has not been reported in the literature in individuals affected with CSPP1-related conditions. ClinVar contains an entry for this variant (Variation ID: 937673). Algorithms developed to predict the effect of missense changes on protein structure and function (SIFT, PolyPhen-2, Align-GVGD) all suggest that this variant is likely to be tolerated. Algorithms developed to predict the effect of sequence changes on RNA splicing suggest that this variant may disrupt the consensus splice site. In summary, the available evidence is currently insufficient to determine the role of this variant in disease. Therefore, it has been classified as a Variant of Uncertain Significance.

Ambry Genetics
Classification: Uncertain significance for Inborn genetic diseases. Last evaluated: 2021-10-20. Review status: criteria provided, single submitter. Criteria: Ambry Variant Classification Scheme 2023. Collection method: clinical testing. Allele origin: germline.

Breakthrough Genomics
Classification: Uncertain significance. Review status: criteria provided, single submitter. Criteria: ACMG Guidelines, 2015. Collection method: not provided. Allele origin: germline. Inheritance: Autosomal recessive inheritance. Affected: yes.